The following is an entry in ClinVar:

NM_001202.6(BMP4):c.734G>A (p.Arg245Gln)

Gene: BMP4 (bone morphogenetic protein 4; minus strand). Cytogenetic location: 14q22.2.
Variant type: single nucleotide variant.
Coding change: c.734G>A on transcript NM_001202.6 (MANE Select); coding-DNA position 734, G replaced by A.
Protein change: p.Arg245Gln; replaces arginine 245 with glutamine.
Molecular consequence: missense variant.
Genome position (GRCh38, 1-based): chr14:53,950,525, C>T on the plus strand (G>A on the coding strand, the complement: BMP4 is on the minus strand). VCF-style: chr14-53950525-C-T. GRCh37 (hg19) VCF-style: chr14-54417243-C-T.
Other names: c.875G>A, p.Arg292Gln (NM_001347912.1); c.545G>A, p.Arg182Gln (NM_001347913.2, NM_001347915.2, NM_001347917.1); c.734G>A, p.Arg245Gln (NM_001347914.2, NM_001347916.1, NM_130850.5 and 1 more transcripts); short protein forms R182Q, R245Q, R292Q.
Identifiers: ClinVar variation 2431357 (VCV002431357.2), dbSNP rs149883007, ClinGen allele CA7191684.

ClinVar aggregate classification (germline): Uncertain significance (1 of 4 stars; one submission).

Conditions:
Microphthalmia with brain and digit anomalies (MCOPS6). Also called: MICROPHTHALMIA AND PITUITARY ANOMALIES; Microphthalmia, syndromic 6. Identifiers: Orphanet 139471, MedGen C1864689, MONDO:0011936, OMIM 607932.

Allele frequency attached by ClinVar (database versions not stated): gnomAD 0.00001; ExAC 0.00002; gnomAD exomes 0.00002; TOPMed 0.00003; ESP Exome Variant Server 0.00008.

Submission:

Laboratorio de Genetica e Diagnostico Molecular, Hospital Israelita Albert Einstein
Classification: Uncertain significance for Microphthalmia with brain and digit anomalies. Last evaluated: 2022-12-16. Review status: criteria provided, single submitter. Criteria: ACMG Guidelines, 2015. Collection method: clinical testing. Allele origin: germline. Affected: yes.
Comment: ACMG classification criteria: BP4 supporting